The following is an entry in ClinVar:

ClinVar aggregate classification (germline): Uncertain significance (1 of 4 stars; one submission).

Conditions:
Charcot-Marie-Tooth disease axonal type 2O. Also called: CHARCOT-MARIE-TOOTH NEUROPATHY, AXONAL, TYPE 2O; CHARCOT-MARIE-TOOTH DISEASE, AXONAL, AUTOSOMAL DOMINANT, TYPE 2O; Charcot-Marie-Tooth Neuropathy Type 2O; Charcot-Marie-Tooth disease, axonal, type 20. Identifiers: Orphanet 284232, MedGen C3280220, MONDO:0013644, OMIM 614228.

Submission:

Labcorp Genetics (formerly Invitae), Labcorp
Classification: Uncertain significance for Charcot-Marie-Tooth disease axonal type 2O. Last evaluated: 2023-03-30. Review status: criteria provided, single submitter. Criteria: Invitae Variant Classification Sherloc (09022015). Collection method: clinical testing. Allele origin: germline.
Comment: Advanced modeling of protein sequence and biophysical properties (such as structural, functional, and spatial information, amino acid conservation, physicochemical variation, residue mobility, and thermodynamic stability) performed at Invitae indicates that this missense variant is expected to disrupt DYNC1H1 protein function. In summary, the available evidence is currently insufficient to determine the role of this variant in disease. Therefore, it has been classified as a Variant of Uncertain Significance. ClinVar contains an entry for this variant (Variation ID: 1715127). This variant has not been reported in the literature in individuals affected with DYNC1H1-related conditions. This variant is not present in population databases (gnomAD no frequency). This sequence change replaces glycine, which is neutral and non-polar, with arginine, which is basic and polar, at codon 269 of the DYNC1H1 protein (p.Gly269Arg).

NM_001376.5(DYNC1H1):c.805G>C (p.Gly269Arg)

Gene: DYNC1H1 (dynein cytoplasmic 1 heavy chain 1; plus strand). Cytogenetic location: 14q32.31.
Variant type: single nucleotide variant.
Coding change: c.805G>C on transcript NM_001376.5 (MANE Select); coding-DNA position 805, G replaced by C.
Protein change: p.Gly269Arg; replaces glycine 269 with arginine.
Molecular consequence: missense variant.
Genome position (GRCh38, 1-based): chr14:101,980,394, G>C. VCF-style: chr14-101980394-G-C. GRCh37 (hg19) VCF-style: chr14-102446731-G-C.
Other names: short protein forms G269R.
Identifiers: ClinVar variation 1715127 (VCV001715127.5), dbSNP rs2141270151, ClinGen allele CA391009587.
Genomic context (GRCh38, chr14:101,980,394, plus strand): 5'-ATACCCTTGGGTGTTATTTTATTTTCAAAGGTGACCAAACTGGATCGAGATCCTGCATCA[G>C]GAACTGCCTTACAGGAAATTAGTTTTTGGCTAAACTTGGAACGTGCGTTATACCGCATCC-3'
Protein context (NP_001367.2, residues 259-279): VTKLDRDPAS[Gly269Arg]TALQEISFWL